The following is an entry in ClinVar:

NM_000038.6(APC):c.4890T>G (p.Val1630=)

Gene: APC (APC regulator of Wnt signaling pathway; plus strand). Cytogenetic location: 5q22.2.
Variant type: single nucleotide variant.
Coding change: c.4890T>G on transcript NM_000038.6 (MANE Select); coding-DNA position 4890, T replaced by G.
Protein change: p.Val1630=; no amino-acid change (valine 1630 retained).
Molecular consequence: synonymous variant. On other transcripts: non-coding transcript variant (2).
Genome position (GRCh38, 1-based): chr5:112,840,484, T>G. VCF-style: chr5-112840484-T-G. GRCh37 (hg19) VCF-style: chr5-112176181-T-G.
Other names: c.4890T>G, p.Val1630= (NM_001127510.3, NM_001354895.2, NM_001407450.1); c.4836T>G, p.Val1612= (NM_001127511.3); c.4944T>G, p.Val1648= (NM_001354896.2, NM_001407447.1, NM_001407448.1 and 1 more transcripts); c.4920T>G, p.Val1640= (NM_001354897.2); c.4815T>G, p.Val1605= (NM_001354898.2); c.4806T>G, p.Val1602= (NM_001354899.2); c.4767T>G, p.Val1589= (NM_001354900.2); c.4713T>G, p.Val1571= (NM_001354901.2, NM_001407453.1); and 11 more.
Identifiers: ClinVar variation 2723945 (VCV002723945.4), dbSNP rs753384326, ClinGen allele CA446208108.

ClinVar aggregate classification (germline): Benign/Likely benign. Review status: criteria provided, multiple submitters, no conflicts (2 of 4 stars). 2 submissions from 2 submitters: Benign (1); Likely benign (1). Last evaluated 2025-03-31.

Conditions:
Familial adenomatous polyposis 1 (FAP1). Also called: FAMILIAL ADENOMATOUS POLYPOSIS 1, ATTENUATED; POLYPOSIS, ADENOMATOUS INTESTINAL. Identifiers: MedGen C2713442, MONDO:0021056, OMIM 175100. Disease mechanism: loss of function.

Submissions (2):

Labcorp Genetics (formerly Invitae), Labcorp
Classification: Likely benign for Familial adenomatous polyposis 1. Last evaluated: 2025-03-31. Review status: criteria provided, single submitter. Criteria: Invitae Variant Classification Sherloc (09022015). Collection method: clinical testing. Allele origin: germline.

Myriad Genetics, Inc.
Classification: Benign for Familial adenomatous polyposis 1. Last evaluated: 2024-03-28. Review status: criteria provided, single submitter. Criteria: Myriad Autosomal Dominant, Autosomal Recessive and X-Linked Classification Criteria (2023). Collection method: clinical testing. Allele origin: unknown.
Comment: This variant is considered benign. This variant is a silent/synonymous amino acid change and it is not expected to impact splicing.